The following is an entry in ClinVar:

NM_000784.4(CYP27A1):c.545T>C (p.Ile182Thr)

Gene: CYP27A1 (cytochrome P450 family 27 subfamily A member 1; plus strand). Cytogenetic location: 2q35.
Variant type: single nucleotide variant.
Coding change: c.545T>C on transcript NM_000784.4 (MANE Select); coding-DNA position 545, T replaced by C.
Protein change: p.Ile182Thr; replaces isoleucine 182 with threonine.
Molecular consequence: missense variant.
Genome position (GRCh38, 1-based): chr2:218,812,320, T>C. VCF-style: chr2-218812320-T-C. GRCh37 (hg19) VCF-style: chr2-219677043-T-C.
Other names: p.Ile182Thr; short protein forms I182T.
Identifiers: ClinVar variation 558035 (VCV000558035.14), dbSNP rs556745324, ClinGen allele CA2112643.

ClinVar aggregate classification (germline): Conflicting classifications of pathogenicity. Review status: criteria provided, conflicting classifications (1 of 4 stars). 4 submissions from 4 submitters: Uncertain significance (2); Likely benign (1). 1 of the submissions does not count toward it. Last evaluated 2026-01-14.

Conditions:
Cholestanol storage disease (CTX). Also called: Cerebrotendinous Xanthomatosis; CEREBRAL CHOLESTERINOSIS; CTX: Cerebrotendinous xanthomatosis. Identifiers: Orphanet 909, MedGen C0238052, MONDO:0008948, OMIM 213700.

Allele frequency attached by ClinVar (database versions not stated): gnomAD exomes 0.00002 and 0.00009; gnomAD 0.00004 and 0.00005; TOPMed 0.00005; 1000 Genomes Project 30x 0.00016; 1000 Genomes Project 0.00020.
gnomAD v4.1: 40 of 1,614,228 alleles (0.0025%); highest among the groups gnomAD compares: East Asian, 0.082%; no homozygotes.

Submissions (4):

Labcorp Genetics (formerly Invitae), Labcorp
Classification: Likely benign for Cholestanol storage disease. Last evaluated: 2026-01-14. Review status: criteria provided, single submitter. Criteria: Invitae Variant Classification Sherloc (09022015). Collection method: clinical testing. Allele origin: germline.

Mayo Clinic Laboratories, Mayo Clinic
Classification: Uncertain significance. Last evaluated: 2024-10-22. Review status: criteria provided, single submitter. Criteria: ACMG Guidelines, 2015. Collection method: clinical testing. Allele origin: germline. Observed: 1 variant allele.
Comment: BP4

Illumina Laboratory Services, Illumina
Classification: Uncertain significance for Cholestanol storage disease. Last evaluated: 2017-04-27. Review status: criteria provided, single submitter. Criteria: ICSL Variant Classification Criteria 13 December 2019. Collection method: clinical testing. Allele origin: germline.

Counsyl
Classification: Uncertain significance for Cholestanol storage disease. Last evaluated: 2018-04-25. Review status: no assertion criteria provided. Collection method: clinical testing. Allele origin: unknown. Not counted in ClinVar's aggregate classification.

Literature cited by the submitters: PubMed 28337550 (cited by Counsyl).